The following is an entry in ClinVar:

ClinVar aggregate classification (germline): Benign/Likely benign. Review status: criteria provided, multiple submitters, no conflicts (2 of 4 stars). 4 submissions from 4 submitters: Benign (1); Likely benign (2). 1 of the submissions does not count toward it. Last evaluated 2025-12-28.

Conditions:
Renal cell carcinoma. Identifiers: Orphanet 217071, MedGen C0007134, MeSH D002292, MONDO:0005086, HP:0005584.
Hereditary cancer-predisposing syndrome. Also called: Tumor predisposition; Hereditary Cancer Syndrome; Hereditary neoplastic syndrome; Neoplastic Syndromes, Hereditary. Identifiers: Orphanet 140162, MedGen C0027672, MeSH D009386, MONDO:0015356.
MET-related disorder. Also called: MET-related condition.
Papillary renal cell carcinoma type 1 (RCCP1). Also called: RENAL CELL CARCINOMA, PAPILLARY, 1, SOMATIC; Renal adenocarcinoma; Renal cell carcinoma 1; Renal cell carcinoma, somatic. Identifiers: Orphanet 47044, MedGen C1336839, OMIM 605074, HP:0011797.

Allele frequency attached by ClinVar (database versions not stated): ExAC 0.00002; gnomAD exomes 0.00002; gnomAD 0.00011 and 0.00014; ESP Exome Variant Server 0.00017; TOPMed 0.00039.

Submissions (4):

Labcorp Genetics (formerly Invitae), Labcorp
Classification: Likely benign for Renal cell carcinoma. Last evaluated: 2025-12-28. Review status: criteria provided, single submitter. Criteria: Invitae Variant Classification Sherloc (09022015). Collection method: clinical testing. Allele origin: germline.

Myriad Genetics, Inc.
Classification: Benign for Papillary renal cell carcinoma type 1. Last evaluated: 2024-11-07. Review status: criteria provided, single submitter. Criteria: Myriad Autosomal Dominant, Autosomal Recessive and X-Linked Classification Criteria (2023). Collection method: clinical testing. Allele origin: unknown.
Comment: This variant is considered benign. This variant is a silent/synonymous amino acid change and it is not expected to impact splicing.

Ambry Genetics
Classification: Likely benign for Hereditary cancer-predisposing syndrome. Last evaluated: 2017-07-26. Review status: criteria provided, single submitter. Criteria: Ambry Variant Classification Scheme 2023. Collection method: clinical testing. Allele origin: germline.

PreventionGenetics, part of Exact Sciences
Classification: Likely benign for MET-related condition. Last evaluated: 2023-02-08. Review status: no assertion criteria provided. Collection method: clinical testing. Allele origin: germline. Not counted in ClinVar's aggregate classification.
Comment: This variant is classified as likely benign based on ACMG/AMP sequence variant interpretation guidelines (Richards et al. 2015 PMID: 25741868, with internal and published modifications).

NM_000245.4(MET):c.1270T>C (p.Leu424=)

Gene: MET (MET proto-oncogene, receptor tyrosine kinase; plus strand). Cytogenetic location: 7q31.2.
Variant type: single nucleotide variant.
Coding change: c.1270T>C on transcript NM_000245.4 (MANE Select); coding-DNA position 1270, T replaced by C.
Protein change: p.Leu424=; no amino-acid change (leucine 424 retained).
Molecular consequence: synonymous variant. On other transcripts: 5 prime UTR variant (1).
Genome position (GRCh38, 1-based): chr7:116,731,737, T>C. VCF-style: chr7-116731737-T-C. GRCh37 (hg19) VCF-style: chr7-116371791-T-C.
Other names: c.1270T>C (NM_001127500.2); c.1270T>C, p.Leu424= (NM_001127500.3, NM_001324401.3); c.-21T>C (NM_001324402.2).
Identifiers: ClinVar variation 485735 (VCV000485735.19), dbSNP rs372229471, ClinGen allele CA4448124.
Genomic context (GRCh38, chr7:116,731,737, plus strand): 5'-AGAAATTCATCAGGCTGTGAAGCGCGCCGTGATGAATATCGAACAGAGTTTACCACAGCT[T>C]TGCAGCGCGTTGACTTATTCATGGGTCAATTCAGCGAAGTCCTCTTAACATCTATATCCA-3'
Protein context (NP_000236.2, residues 414-434): DEYRTEFTTA[Leu424=]QRVDLFMGQF